The following is an entry in ClinVar:

ClinVar aggregate classification (germline): Conflicting classifications of pathogenicity. Review status: criteria provided, conflicting classifications (1 of 4 stars). 4 submissions from 4 submitters: Likely pathogenic (2); Uncertain significance (1). 1 of the submissions does not count toward it. Last evaluated 2026-08-21.

Conditions:
Polycystic kidney disease, adult type (PKD1). Also called: POLYCYSTIC KIDNEY DISEASE, ADULT, TYPE I; Polycystic Kidney, Autosomal Dominant; Polycystic Kidney Disease 1, Autosomal Dominant; Polycystic kidney disease 1; Polycystic kidney disease 1, severe; POLYCYSTIC KIDNEY DISEASE 1 WITH OR WITHOUT POLYCYSTIC LIVER DISEASE. Identifiers: MedGen C3149841, MONDO:0008263, OMIM 173900.

Submissions (4):

GeneDx
Classification: Uncertain significance. Last evaluated: 2026-08-21. Review status: criteria provided, single submitter. Criteria: GeneDx Variant Classification Process June 2021. Collection method: clinical testing. Allele origin: germline.
Comment: Reported in the published literature in patients with autosomal dominant polycystic kidney disease (PMID: 17582161, 21551026, 23300259); In silico analysis supports that this missense variant has a deleterious effect on protein structure/function; Not observed at significant frequency in large population cohorts (gnomAD); This variant is associated with the following publications: (PMID: 22383692, 21551026, 23300259, 17582161, 34716216, 30042192)

Women's Health and Genetics/Laboratory Corporation of America, LabCorp
Classification: Likely pathogenic for Polycystic kidney disease, adult type. Last evaluated: 2025-04-08. Review status: criteria provided, single submitter. Criteria: LabCorp Variant Classification Summary - May 2015. Collection method: clinical testing. Allele origin: germline.
Comment: Variant summary: PKD1 c.9504C>G (p.Phe3168Leu) results in a non-conservative amino acid change located in the PLAT/LH2 domain (IPR042060) of the encoded protein sequence. Five of five in-silico tools predict a damaging effect of the variant on protein function. The variant was absent in 249418 control chromosomes. The c.9504C>G has been reported in the literature in multiple heterozygous individuals affected with Polycystic Kidney Disease (e.g. Rossetti_2007, Irazabal_2011, Rossetti_2012, Neumann_2013), and positive family history was reported in multiple cases. These data indicate that the variant is likely to be associated with disease. To our knowledge, no experimental evidence demonstrating an impact on protein function has been reported. The following publications have been ascertained in the context of this evaluation (PMID: 17582161, 21551026, 22383692, 23300259). ClinVar contains an entry for this variant (Variation ID: 3579095). Based on the evidence outlined above, the variant was classified as likely pathogenic.

Fulgent Genetics
Classification: Likely pathogenic for Polycystic kidney disease, adult type. Last evaluated: 2024-03-11. Review status: criteria provided, single submitter. Criteria: ACMG Guidelines, 2015. Collection method: clinical testing. Allele origin: germline.

Genetic Services Laboratory, University of Chicago
Classification: Likely pathogenic. Last evaluated: 2024-06-18. Review status: flagged submission. Criteria: ACMG Guidelines, 2015. Collection method: clinical testing. Allele origin: germline. Affected: yes. Not counted in ClinVar's aggregate classification.
Comment: DNA sequence analysis of the PKD1 gene demonstrated two sequence changes. The first sequence change, c.7154C>G in exon 17, results in an amino acid change, p.Ser2385Cys. This sequence change does not appear to have been previously described in individuals with PKD1-related disorders. This sequence change has been described in the gnomAD database with a frequency of 0.001% in the overall population (dbSNP rs200159561). The p.Ser2385Cys change affects a highly conserved amino acid residue located in a domain of the PKD1 protein that is known to be functional. In-silico pathogenicity prediction tools (SIFT, PolyPhen2, Align GVGD, REVEL) provide contradictory results for the p.Ser2385Cys substitution. Collectively, this evidence indicates that this variant is likely pathogenic.
ClinVar note: Notes: Submission appears to be for a different variant.
ClinVar note: Reason: Other submission error

Literature cited by the submitters: PubMed 23300259 (cited by Women's Health and Genetics/Laboratory Corporation of America, LabCorp); PubMed 22383692 (cited by Women's Health and Genetics/Laboratory Corporation of America, LabCorp); PubMed 17582161 (cited by Women's Health and Genetics/Laboratory Corporation of America, LabCorp); PubMed 21551026 (cited by Women's Health and Genetics/Laboratory Corporation of America, LabCorp).

NM_001009944.3(PKD1):c.9504C>G (p.Phe3168Leu)

Gene: PKD1 (polycystin 1, transient receptor potential channel interacting; minus strand). Cytogenetic location: 16p13.3.
Variant type: single nucleotide variant.
Coding change: c.9504C>G on transcript NM_001009944.3 (MANE Select); coding-DNA position 9504, C replaced by G.
Protein change: p.Phe3168Leu; replaces phenylalanine 3168 with leucine.
Molecular consequence: missense variant.
Genome position (GRCh38, 1-based): chr16:2,100,460, G>C on the plus strand (C>G on the coding strand, the complement: PKD1 is on the minus strand). VCF-style: chr16-2100460-G-C. GRCh37 (hg19) VCF-style: chr16-2150461-G-C.
Other names: c.9504C>G, p.Phe3168Leu (NM_000296.4); short protein forms F3168L.
Identifiers: ClinVar variation 3579095 (VCV003579095.7).